The following is an entry in ClinVar:

ClinVar aggregate classification (germline): Pathogenic. Review status: criteria provided, single submitter (1 of 4 stars). 2 submissions from 2 submitters: Pathogenic (1). 1 of the submissions does not count toward it. Last evaluated 2025-05-05.

Conditions:
Hereditary factor VIII deficiency disease (HEMA). Also called: AUTOSOMAL HEMOPHILIA A; Hemophilia A, congenital; HEM A; Factor 8 deficiency, congenital; HEMOPHILIA, CLASSIC; Hemophilia A. Identifiers: Orphanet 98878, MedGen C0019069, MONDO:0010602, OMIM 306700.

Allele frequency attached by ClinVar (database versions not stated): TOPMed 0.00001.

Submissions (2):

Myriad Genetics, Inc.
Classification: Pathogenic for Hereditary factor VIII deficiency disease. Last evaluated: 2025-05-05. Review status: criteria provided, single submitter. Criteria: Myriad Autosomal Dominant, Autosomal Recessive and X-Linked Classification Criteria (2023). Collection method: clinical testing. Allele origin: unknown.
Comment: NM_000132.3(F8):c.1812G>A(W604*) is a nonsense variant classified as pathogenic in the context of hemophilia A. W604* has been observed in cases with relevant disease (PMID: 18600086, 20102490, 21910785, 24975702, 29296726). Relevant functional assessments of this variant are not available in the literature. W604* has not been observed in referenced population frequency databases. In summary, NM_000132.3(F8):c.1812G>A(W604*) is a nonsense variant in a gene where loss of function is a known mechanism of disease, is predicted to disrupt protein function, and has been observed more frequently in cases with the relevant disease than in healthy populations. Please note: this variant was assessed in the context of healthy population screening.

Angelo Bianchi Bonomi Hemophilia and Thrombosis Center, Fondazione IRCCS Ca Granda Ospedale Maggiore Policlinico
Classification: Pathogenic for Hereditary factor VIII deficiency disease. Last evaluated: 2019-06-01. Review status: no assertion criteria provided. Collection method: clinical testing. Allele origin: germline. Affected: yes. Observed: 1 variant allele. Not counted in ClinVar's aggregate classification.

Literature cited by the submitters: PubMed 18600086 (cited by Myriad Genetics, Inc. and Angelo Bianchi Bonomi Hemophilia and Thrombosis Center, Fondazione IRCCS Ca Granda Ospedale Maggiore Policlinico); PubMed 20102490 (cited by Myriad Genetics, Inc. and Angelo Bianchi Bonomi Hemophilia and Thrombosis Center, Fondazione IRCCS Ca Granda Ospedale Maggiore Policlinico); PubMed 21910785 (cited by Myriad Genetics, Inc.); PubMed 24975702 (cited by Myriad Genetics, Inc.); PubMed 29296726 (cited by Myriad Genetics, Inc. and Angelo Bianchi Bonomi Hemophilia and Thrombosis Center, Fondazione IRCCS Ca Granda Ospedale Maggiore Policlinico).

NM_000132.4(F8):c.1812G>A (p.Trp604Ter)

Gene: F8 (coagulation factor VIII; minus strand). Cytogenetic location: Xq28.
Variant type: single nucleotide variant.
Coding change: c.1812G>A on transcript NM_000132.4 (MANE Select); coding-DNA position 1812, G replaced by A.
Protein change: p.Trp604Ter; replaces tryptophan 604 with a stop codon.
Molecular consequence: nonsense.
Genome position (GRCh38, 1-based): chrX:154,953,983, C>T on the plus strand (G>A on the coding strand, the complement: F8 is on the minus strand). VCF-style: chrX-154953983-C-T. GRCh37 (hg19) VCF-style: chrX-154182258-C-T.
Other names: short protein forms W604*.
Identifiers: ClinVar variation 973803 (VCV000973803.3), dbSNP rs137852426, ClinGen allele CA414910931.
Genomic context (GRCh38, chrX:154,953,983, plus strand): 5'-ATCCTCAAGCTGCACTCCAGCTGGATTGGGGAGAAAGCGTTGTATATTCTCTGTGAGGTA[C>T]CAGCTTCGGTTCTCATCAAATACAGAAAACAGGATGACATTCCTCTTGTCTGACATTATC-3'